The following is an entry in ClinVar:

NM_130384.3(ATRIP):c.1406G>A (p.Cys469Tyr)

Genes: ATRIP (ATR interacting protein; plus strand), ATRIP-TREX1 (ATRIP-TREX1 readthrough; plus strand). Cytogenetic location: 3p21.31.
Variant type: single nucleotide variant.
Coding change: c.1406G>A on transcript NM_130384.3 (MANE Select); coding-DNA position 1406, G replaced by A.
Protein change: p.Cys469Tyr; replaces cysteine 469 with tyrosine.
Molecular consequence: missense variant. On other transcripts: non-coding transcript variant (1).
Genome position (GRCh38, 1-based): chr3:48,460,460, G>A. VCF-style: chr3-48460460-G-A. GRCh37 (hg19) VCF-style: chr3-48501859-G-A.
Other names: c.1025G>A, p.Cys342Tyr (NM_001271022.2); c.1127G>A, p.Cys376Tyr (NM_001271023.2); c.1406G>A, p.Cys469Tyr (NM_032166.4); short protein forms C342Y, C376Y, C469Y.
Identifiers: ClinVar variation 3975766 (VCV003975766.1).

ClinVar aggregate classification (germline): Uncertain significance (1 of 4 stars; one submission).

Submission:

Ambry Genetics
Classification: Uncertain significance. Last evaluated: 2025-03-28. Review status: criteria provided, single submitter. Criteria: Ambry Variant Classification Scheme 2023. Collection method: clinical testing. Allele origin: germline.
Comment: The p.C469Y variant (also known as c.1406G>A), located in coding exon 8 of the ATRIP gene, results from a G to A substitution at nucleotide position 1406. The cysteine at codon 469 is replaced by tyrosine, an amino acid with highly dissimilar properties. This amino acid position is conserved. In addition, this alteration is predicted to be tolerated by in silico analysis. Based on the available evidence, the clinical significance of this variant remains unclear.